The following is an entry in ClinVar:

NM_024301.5(FKRP):c.106G>T (p.Ala36Ser)

Gene: FKRP (fukutin related protein; plus strand). Cytogenetic location: 19q13.32.
Variant type: single nucleotide variant.
Coding change: c.106G>T on transcript NM_024301.5 (MANE Select); coding-DNA position 106, G replaced by T.
Protein change: p.Ala36Ser; replaces alanine 36 with serine.
Molecular consequence: missense variant.
Genome position (GRCh38, 1-based): chr19:46,755,556, G>T. VCF-style: chr19-46755556-G-T. GRCh37 (hg19) VCF-style: chr19-47258813-G-T.
Other names: c.106G>T, p.Ala36Ser (NM_001039885.3); short protein forms A36S.
Identifiers: ClinVar variation 966584 (VCV000966584.9), dbSNP rs1412050261, ClinGen allele CA406494678.

ClinVar aggregate classification (germline): Uncertain significance. Review status: criteria provided, multiple submitters, no conflicts (2 of 4 stars). 3 submissions from 3 submitters: Uncertain significance (2). 1 of the submissions does not count toward it. Last evaluated 2024-04-28.

Conditions:
Cardiovascular phenotype. Identifiers: MedGen CN230736.
Walker-Warburg congenital muscular dystrophy. Also called: Muscular dystrophy-dystroglycanopathy, type A; Walker-Warburg syndrome. Identifiers: Orphanet 899, MedGen C0265221, MONDO:0000171.
Autosomal recessive limb-girdle muscular dystrophy type 2I. Also called: MUSCULAR DYSTROPHY-DYSTROGLYCANOPATHY (LIMB-GIRDLE), TYPE C, 5; MUSCULAR DYSTROPHY-DYSTROGLYCANOPATHY, LIMB-GIRDLE, FRKP-RELATED; MUSCULAR DYSTROPHY, LIMB-GIRDLE, TYPE 2I. Identifiers: Orphanet 34515, MedGen C1846672, MONDO:0011787, OMIM 607155.

Allele frequency attached by ClinVar (database versions not stated): gnomAD 0.00001; TOPMed 0.00001.
gnomAD v4.1: 2 of 1,606,792 alleles (0.00012%); highest among the groups gnomAD compares: African/African-American, 0.0013%; no homozygotes.

Submissions (3):

Ambry Genetics
Classification: Uncertain significance for Cardiovascular phenotype. Last evaluated: 2024-04-28. Review status: criteria provided, single submitter. Criteria: Ambry Variant Classification Scheme 2023. Collection method: clinical testing. Allele origin: germline.
Comment: The p.A36S variant (also known as c.106G>T), located in coding exon 1 of the FKRP gene, results from a G to T substitution at nucleotide position 106. The alanine at codon 36 is replaced by serine, an amino acid with similar properties. This amino acid position is conserved. In addition, this alteration is predicted to be tolerated by in silico analysis. Based on the available evidence, the clinical significance of this variant remains unclear.

Labcorp Genetics (formerly Invitae), Labcorp
Classification: Uncertain significance for Walker-Warburg congenital muscular dystrophy. Last evaluated: 2022-06-13. Review status: criteria provided, single submitter. Criteria: Invitae Variant Classification Sherloc (09022015). Collection method: clinical testing. Allele origin: germline.
Comment: This sequence change replaces alanine, which is neutral and non-polar, with serine, which is neutral and polar, at codon 36 of the FKRP protein (p.Ala36Ser). This variant is present in population databases (no rsID available, gnomAD 0.005%). This variant has not been reported in the literature in individuals affected with FKRP-related conditions. ClinVar contains an entry for this variant (Variation ID: 966584). Algorithms developed to predict the effect of missense changes on protein structure and function (SIFT, PolyPhen-2, Align-GVGD) all suggest that this variant is likely to be tolerated. In summary, the available evidence is currently insufficient to determine the role of this variant in disease. Therefore, it has been classified as a Variant of Uncertain Significance.

Natera, Inc.
Classification: Uncertain significance for Limb-girdle muscular dystrophy type 2I. Last evaluated: 2020-08-20. Review status: no assertion criteria provided. Collection method: clinical testing. Allele origin: germline. Not counted in ClinVar's aggregate classification.